The following is an entry in ClinVar:

NM_033380.3(COL4A5):c.2584A>G (p.Arg862Gly)

Gene: COL4A5 (collagen type IV alpha 5 chain; plus strand). Cytogenetic location: Xq22.3.
Variant type: single nucleotide variant.
Coding change: c.2584A>G on transcript NM_033380.3 (MANE Select); coding-DNA position 2584, A replaced by G.
Protein change: p.Arg862Gly; replaces arginine 862 with glycine.
Molecular consequence: missense variant.
Genome position (GRCh38, 1-based): chrX:108,620,333, A>G. VCF-style: chrX-108620333-A-G. GRCh37 (hg19) VCF-style: chrX-107863563-A-G.
Other names: c.2584A>G, p.Arg862Gly (NM_000495.5); c.2584A>G (NM_000495.3); short protein forms R862G.
Identifiers: ClinVar variation 3364625 (VCV003364625.2).
Genomic context (GRCh38, chrX:108,620,333, plus strand): 5'-CCAGGAGAGAAGGGGGATCCAGGACCTCCTGGACTTGATGTTCCAGGACCCCCAGGTGAA[A>G]GAGGCAGTCCAGGGATCCCCGGAGCACCTGGTCCTATAGGACCTCCAGGATCACCAGGGC-3'
Protein context (NP_203699.1, residues 852-872): GLDVPGPPGE[Arg862Gly]GSPGIPGAPG

ClinVar aggregate classification (germline): Uncertain significance. Review status: criteria provided, multiple submitters, no conflicts (2 of 4 stars). 2 submissions from 2 submitters: Uncertain significance (2). Last evaluated 2025-08-23.

Conditions:
Inborn genetic diseases. Identifiers: MedGen C0950123, MeSH D030342.

gnomAD v4.1: 5 of 1,208,901 alleles (0.00041%); highest among the groups gnomAD compares: Admixed American, 0.0022%; no homozygotes.

Submissions (2):

Ambry Genetics
Classification: Uncertain significance for Inborn genetic diseases. Last evaluated: 2025-08-23. Review status: criteria provided, single submitter. Criteria: Ambry Variant Classification Scheme 2023. Collection method: clinical testing. Allele origin: germline.

GeneDx
Classification: Uncertain significance. Last evaluated: 2023-11-28. Review status: criteria provided, single submitter. Criteria: GeneDx Variant Classification Process June 2021. Collection method: clinical testing. Allele origin: germline. Affected: yes.
Comment: In silico analysis supports that this missense variant has a deleterious effect on protein structure/function; Has not been previously published as pathogenic or benign to our knowledge